The following is an entry in ClinVar:

NM_004380.3(CREBBP):c.5600G>A (p.Arg1867Gln)

Gene: CREBBP (CREB binding lysine acetyltransferase; minus strand). Cytogenetic location: 16p13.3.
Variant type: single nucleotide variant.
Coding change: c.5600G>A on transcript NM_004380.3 (MANE Select); coding-DNA position 5600, G replaced by A.
Protein change: p.Arg1867Gln; replaces arginine 1867 with glutamine.
Molecular consequence: missense variant.
Genome position (GRCh38, 1-based): chr16:3,729,447, C>T on the plus strand (G>A on the coding strand, the complement: CREBBP is on the minus strand). VCF-style: chr16-3729447-C-T. GRCh37 (hg19) VCF-style: chr16-3779448-C-T.
Other names: c.5486G>A, p.Arg1829Gln (NM_001079846.1); short protein forms R1867Q, R1829Q.
Identifiers: ClinVar variation 429336 (VCV000429336.20), dbSNP rs1131691326, ClinGen allele CA394555929.

ClinVar aggregate classification (germline): Pathogenic/Likely pathogenic. Review status: criteria provided, multiple submitters, no conflicts (2 of 4 stars). 8 submissions from 8 submitters: Pathogenic (2); Likely pathogenic (3). 3 of the submissions do not count toward it. Last evaluated 2026-09-21.

Conditions:
Menke-Hennekam syndrome 1 (MKHK1). Identifiers: MedGen C5193034, MONDO:0020763, OMIM 618332.
Rubinstein-Taybi syndrome (RSTS). Identifiers: Orphanet 783, MedGen C0035934, MONDO:0019188.

Submissions (8):

GeneDx
Classification: Pathogenic. Last evaluated: 2026-09-21. Review status: criteria provided, single submitter. Criteria: GeneDx Variant Classification Process June 2021. Collection method: clinical testing. Allele origin: germline.
Comment: Not observed at significant frequency in large population cohorts (gnomAD); In silico analysis supports that this missense variant has a deleterious effect on protein structure/function; This variant is associated with the following publications: (PMID: 27311832, 29460469, 35904121, 35982159, 35626936, 33057194, 37025449, 38958063)

Clinical Genomics Laboratory, Washington University in St. Louis
Classification: Likely pathogenic for Menke-Hennekam syndrome 1. Last evaluated: 2026-02-03. Review status: criteria provided, single submitter. Criteria: ACMG Guidelines, 2015. Collection method: clinical testing. Allele origin: germline. Affected: yes.
Comment: The CREBBP c.5600G>A (p.Arg1867Gln) variant has been observed in two unrelated individuals with MKHK1 (Menke LA et al., PMID: 27311832; Menke LA et al., PMID: 29460469). This variant is absent from the general population (gnomAD v2.1.1), indicating it is not a common variant. This variant occurs within the exon 31 of the gene, a region associated with MKHK1 (Menke LA et al., PMID: 29460469). Computational predictors indicate that the variant is damaging, evidence that correlates with impact to CREBBP function. Other variants in this codon, (p.Arg1867Leu, p.Arg1867Trp, p.Arg1867Gly), have been reported (Menke LA et al., PMID: 27311832; ClinVar Variation IDs: 1339605; 871516; 95055), and some assigned clinical significance. This variant has been reported in the ClinVar database as a germline pathogenic and likely pathogenic variant by two submitters each and a variant of uncertain significance by one submitter. Based on available information and the ACMG/AMP guidelines for variant interpretation (Richards S et al., PMID: 25741868), this variant is classified as likely pathogenic.

Institute of Human Genetics, University of Leipzig Medical Center
Classification: Pathogenic for Menke-Hennekam syndrome 1. Last evaluated: 2026-01-14. Review status: criteria provided, single submitter. Criteria: ACMG Guidelines, 2015. Collection method: clinical testing. Allele origin: unknown. Inheritance: Autosomal dominant inheritance. Affected: yes.
Comment: Criteria applied: PS2,PS4,PM2,PP2,PM5,PP3

Institute of Immunology and Genetics Kaiserslautern
Classification: Likely pathogenic for Menke-Hennekam syndrome 1. Last evaluated: 2025-06-06. Review status: criteria provided, single submitter. Criteria: ACMG Guidelines, 2015. Collection method: clinical testing. Allele origin: germline. Affected: yes.
Comment: ACMG Criteria: PP3, PP5, PM1, PM2_P, PM5; Variant was found in heterozygous state.

Labcorp Genetics (formerly Invitae), Labcorp
Classification: Likely pathogenic for Rubinstein-Taybi syndrome. Last evaluated: 2023-01-31. Review status: criteria provided, single submitter. Criteria: Invitae Variant Classification Sherloc (09022015). Collection method: clinical testing. Allele origin: germline.
Comment: This variant disrupts the p.Arg1867 amino acid residue in CREBBP. Other variant(s) that disrupt this residue have been determined to be pathogenic (PMID: 27311832). This suggests that this residue is clinically significant, and that variants that disrupt this residue are likely to be disease-causing. Advanced modeling of protein sequence and biophysical properties (such as structural, functional, and spatial information, amino acid conservation, physicochemical variation, residue mobility, and thermodynamic stability) performed at Invitae indicates that this missense variant is expected to disrupt CREBBP protein function. ClinVar contains an entry for this variant (Variation ID: 429336). This missense change has been observed in individual(s) with clinical features of CREBBP-related conditions (PMID: 27311832, 29460469). This variant is not present in population databases (gnomAD no frequency). This sequence change replaces arginine, which is basic and polar, with glutamine, which is neutral and polar, at codon 1867 of the CREBBP protein (p.Arg1867Gln). In summary, the currently available evidence indicates that the variant is pathogenic, but additional data are needed to prove that conclusively. Therefore, this variant has been classified as Likely Pathogenic.

Clinical Genetics Laboratory, University Hospital Schleswig-Holstein
Classification: Pathogenic for Menke-Hennekam syndrome 1. Last evaluated: 2023-09-28. Review status: no assertion criteria provided. Collection method: clinical testing. Allele origin: de novo. Affected: yes. Not counted in ClinVar's aggregate classification.

Al Jawhara Center for Molecular Medicine, Arabian Gulf University
Classification: Uncertain significance for Menke-Hennekam syndrome 1. Last evaluated: 2023-01-20. Review status: no assertion criteria provided. Collection method: clinical testing. Allele origin: paternal. Affected: no. Not counted in ClinVar's aggregate classification.

OMIM
Classification: Pathogenic for MENKE-HENNEKAM SYNDROME 1. Last evaluated: 2019-02-22. Review status: no assertion criteria provided. Collection method: literature only. Allele origin: germline. Not counted in ClinVar's aggregate classification.

Literature cited by the submitters: PubMed 27311832 (cited by Labcorp Genetics (formerly Invitae), Labcorp and OMIM); PubMed 29460469 (cited by Labcorp Genetics (formerly Invitae), Labcorp and OMIM); DOI 10.3389/fgene.2023.1098102 (cited by Al Jawhara Center for Molecular Medicine, Arabian Gulf University).